The following is an entry in ClinVar:

ClinVar aggregate classification (germline): Uncertain significance (1 of 4 stars; one submission).

Submission:

Labcorp Genetics (formerly Invitae), Labcorp
Classification: Uncertain significance. Last evaluated: 2022-11-22. Review status: criteria provided, single submitter. Criteria: Invitae Variant Classification Sherloc (09022015). Collection method: clinical testing. Allele origin: germline.
Comment: In summary, the available evidence is currently insufficient to determine the role of this variant in disease. Therefore, it has been classified as a Variant of Uncertain Significance. Algorithms developed to predict the effect of sequence changes on RNA splicing suggest that this variant may create or strengthen a splice site. Algorithms developed to predict the effect of missense changes on protein structure and function are either unavailable or do not agree on the potential impact of this missense change (SIFT: "Deleterious"; PolyPhen-2: "Possibly Damaging"; Align-GVGD: "Class C0"). ClinVar contains an entry for this variant (Variation ID: 1367730). This variant has not been reported in the literature in individuals affected with HSPG2-related conditions. This variant is not present in population databases (gnomAD no frequency). This sequence change replaces isoleucine, which is neutral and non-polar, with asparagine, which is neutral and polar, at codon 2632 of the HSPG2 protein (p.Ile2632Asn).

NM_005529.7(HSPG2):c.7895T>A (p.Ile2632Asn)

Gene: HSPG2 (heparan sulfate proteoglycan 2; minus strand). Cytogenetic location: 1p36.12.
Variant type: single nucleotide variant.
Coding change: c.7895T>A on transcript NM_005529.7 (MANE Select); coding-DNA position 7895, T replaced by A.
Protein change: p.Ile2632Asn; replaces isoleucine 2632 with asparagine.
Molecular consequence: missense variant.
Genome position (GRCh38, 1-based): chr1:21,847,819, A>T on the plus strand (T>A on the coding strand, the complement: HSPG2 is on the minus strand). VCF-style: chr1-21847819-A-T. GRCh37 (hg19) VCF-style: chr1-22174312-A-T.
Other names: c.7898T>A, p.Ile2633Asn (NM_001291860.2); short protein forms I2632N, I2633N.
Identifiers: ClinVar variation 1367730 (VCV001367730.8), dbSNP rs2152713630, ClinGen allele CA338921195.